The following is an entry in ClinVar:

ClinVar aggregate classification (germline): Uncertain significance. Review status: criteria provided, multiple submitters, no conflicts (2 of 4 stars). 2 submissions from 2 submitters: Uncertain significance (2). Last evaluated 2024-08-22.

Conditions:
Hereditary nonpolyposis colorectal neoplasms. Identifiers: MedGen C0009405, MeSH D003123.
Hereditary cancer-predisposing syndrome. Also called: Neoplastic Syndromes, Hereditary; Hereditary Cancer Syndrome; Hereditary neoplastic syndrome; Tumor predisposition. Identifiers: Orphanet 140162, MedGen C0027672, MeSH D009386, MONDO:0015356.

gnomAD v4.1: 1 of 1,614,126 alleles (0.000062%); highest among the groups gnomAD compares: Non-Finnish European, 0.000085%; no homozygotes.

Submissions (2):

Ambry Genetics
Classification: Uncertain significance for Hereditary cancer-predisposing syndrome. Last evaluated: 2024-08-22. Review status: criteria provided, single submitter. Criteria: Ambry Variant Classification Scheme 2023. Collection method: clinical testing. Allele origin: germline.
Comment: The p.S418C variant (also known as c.1253C>G), located in coding exon 4 of the MSH6 gene, results from a C to G substitution at nucleotide position 1253. The serine at codon 418 is replaced by cysteine, an amino acid with dissimilar properties. This amino acid position is well conserved in available vertebrate species. In addition, this alteration is predicted to be deleterious by in silico analysis. Based on the available evidence, the clinical significance of this variant remains unclear.

Labcorp Genetics (formerly Invitae), Labcorp
Classification: Uncertain significance for Hereditary nonpolyposis colorectal neoplasms. Last evaluated: 2022-07-07. Review status: criteria provided, single submitter. Criteria: Invitae Variant Classification Sherloc (09022015). Collection method: clinical testing. Allele origin: germline.
Comment: This sequence change replaces serine, which is neutral and polar, with cysteine, which is neutral and slightly polar, at codon 418 of the MSH6 protein (p.Ser418Cys). This variant is not present in population databases (gnomAD no frequency). This variant has not been reported in the literature in individuals affected with MSH6-related conditions. ClinVar contains an entry for this variant (Variation ID: 1420997). Algorithms developed to predict the effect of missense changes on protein structure and function (SIFT, PolyPhen-2, Align-GVGD) all suggest that this variant is likely to be disruptive. In summary, the available evidence is currently insufficient to determine the role of this variant in disease. Therefore, it has been classified as a Variant of Uncertain Significance.

NM_000179.3(MSH6):c.1253C>G (p.Ser418Cys)

Gene: MSH6 (mutS homolog 6; plus strand). Cytogenetic location: 2p16.3.
Variant type: single nucleotide variant.
Coding change: c.1253C>G on transcript NM_000179.3 (MANE Select); coding-DNA position 1253, C replaced by G.
Protein change: p.Ser418Cys; replaces serine 418 with cysteine.
Molecular consequence: missense variant.
Genome position (GRCh38, 1-based): chr2:47,799,236, C>G. VCF-style: chr2-47799236-C-G. GRCh37 (hg19) VCF-style: chr2-48026375-C-G.
Other names: c.863C>G, p.Ser288Cys (NM_001281492.2); c.347C>G, p.Ser116Cys (NM_001281493.2, NM_001281494.2); short protein forms S116C, S418C, S288C.
Identifiers: ClinVar variation 1420997 (VCV001420997.11), dbSNP rs2104331392, ClinGen allele CA346743862.